The following is an entry in ClinVar:

NM_006660.5(CLPX):c.463G>A (p.Glu155Lys)

Gene: CLPX (caseinolytic mitochondrial matrix peptidase chaperone subunit X; minus strand). Cytogenetic location: 15q22.31.
Variant type: single nucleotide variant.
Coding change: c.463G>A on transcript NM_006660.5 (MANE Select); coding-DNA position 463, G replaced by A.
Protein change: p.Glu155Lys; replaces glutamic acid 155 with lysine.
Molecular consequence: missense variant. On other transcripts: non-coding transcript variant (1).
Genome position (GRCh38, 1-based): chr15:65,166,681, C>T on the plus strand (G>A on the coding strand, the complement: CLPX is on the minus strand). VCF-style: chr15-65166681-C-T. GRCh37 (hg19) VCF-style: chr15-65459019-C-T.
Other names: c.463G>A (NM_006660.3, NM_006660.4); short protein forms E155K.
Identifiers: ClinVar variation 1596385 (VCV001596385.11), dbSNP rs149270152, ClinGen allele CA7614889.

ClinVar aggregate classification (germline): Conflicting classifications of pathogenicity. Review status: criteria provided, conflicting classifications (1 of 4 stars). 3 submissions from 3 submitters: Uncertain significance (1); Likely benign (2). Last evaluated 2025-09-23.

Conditions:
CLPX-related disorder. Also called: CLPX-related condition.

Allele frequency attached by ClinVar (database versions not stated): 1000 Genomes Project 30x 0.00031; 1000 Genomes Project 0.00040; TOPMed 0.00042; gnomAD 0.00044 and 0.00047; gnomAD exomes 0.00047 and 0.00071; ExAC 0.00066; ESP Exome Variant Server 0.00069.
gnomAD v4.1: 1,098 of 1,614,176 alleles (0.068%); highest among the groups gnomAD compares: Non-Finnish European, 0.087%; 3 homozygotes.

Submissions (3):

Labcorp Genetics (formerly Invitae), Labcorp
Classification: Likely benign. Last evaluated: 2025-09-23. Review status: criteria provided, single submitter. Criteria: Invitae Variant Classification Sherloc (09022015). Collection method: clinical testing. Allele origin: germline.

PreventionGenetics, part of Exact Sciences
Classification: Likely benign for CLPX-related condition. Last evaluated: 2024-12-11. Review status: criteria provided, single submitter. Criteria: ACMG Guidelines, 2015. Collection method: clinical testing. Allele origin: germline.
Comment: This variant is classified as likely benign based on ACMG/AMP sequence variant interpretation guidelines (Richards et al. 2015 PMID: 25741868, with internal and published modifications).

Ambry Genetics
Classification: Uncertain significance. Last evaluated: 2024-07-31. Review status: criteria provided, single submitter. Criteria: Ambry Variant Classification Scheme 2023. Collection method: clinical testing. Allele origin: germline.